The following is an entry in ClinVar:

ClinVar aggregate classification (germline): Uncertain significance (1 of 4 stars; one submission).

Submission:

GeneDx
Classification: Uncertain significance. Last evaluated: 2025-07-01. Review status: criteria provided, single submitter. Criteria: GeneDx Variant Classification Process June 2021. Collection method: clinical testing. Allele origin: germline. Affected: yes.
Comment: Not observed at significant frequency in large population cohorts (gnomAD); In silico analysis supports that this missense variant has a deleterious effect on protein structure/function; Has not been previously published as pathogenic or benign to our knowledge

NM_001348768.2(HECW2):c.2876G>T (p.Arg959Met)

Gene: HECW2 (HECT, C2 and WW domain containing E3 ubiquitin protein ligase 2; minus strand). Cytogenetic location: 2q32.3.
Variant type: single nucleotide variant.
Coding change: c.2876G>T on transcript NM_001348768.2 (MANE Select); coding-DNA position 2876, G replaced by T.
Protein change: p.Arg959Met; replaces arginine 959 with methionine.
Molecular consequence: missense variant.
Genome position (GRCh38, 1-based): chr2:196,292,689, C>A on the plus strand (G>T on the coding strand, the complement: HECW2 is on the minus strand). VCF-style: chr2-196292689-C-A. GRCh37 (hg19) VCF-style: chr2-197157413-C-A.
Other names: c.1808G>T, p.Arg603Met (NM_001304840.3); c.2876G>T, p.Arg959Met (NM_020760.4); short protein forms R603M, R959M.
Identifiers: ClinVar variation 4681122 (VCV004681122.1).